The following is an entry in ClinVar:

ClinVar aggregate classification (germline): Conflicting classifications of pathogenicity. Review status: criteria provided, conflicting classifications (1 of 4 stars). 3 submissions from 3 submitters: Uncertain significance (1); Benign (1); Likely benign (1). Last evaluated 2024-07-30.

Conditions:
Hereditary cancer-predisposing syndrome. Also called: Hereditary Cancer Syndrome; Neoplastic Syndromes, Hereditary; Tumor predisposition; Hereditary neoplastic syndrome. Identifiers: Orphanet 140162, MedGen C0027672, MeSH D009386, MONDO:0015356.
Familial cancer of breast. Also called: Hereditary breast cancer; BREAST CANCER, FAMILIAL; hereditary breast carcinoma. Identifiers: Orphanet 227535, MedGen C0346153, MONDO:0016419, OMIM 114480. Disease mechanism: loss of function.

Submissions (3):

Myriad Genetics, Inc.
Classification: Benign for Familial cancer of breast. Last evaluated: 2024-07-30. Review status: criteria provided, single submitter. Criteria: Myriad Autosomal Dominant, Autosomal Recessive and X-Linked Classification Criteria (2023). Collection method: clinical testing. Allele origin: unknown.
Comment: This variant is considered benign. This variant is a silent/synonymous amino acid change and it is not expected to impact splicing.

GeneDx
Classification: Uncertain significance. Last evaluated: 2024-02-21. Review status: criteria provided, single submitter. Criteria: GeneDx Variant Classification Process June 2021. Collection method: clinical testing. Allele origin: germline. Affected: yes.
Comment: Not observed at significant frequency in large population cohorts (gnomAD); In silico analysis supports that this variant does not alter splicing; Has not been previously published as pathogenic or benign to our knowledge

Color Diagnostics, LLC DBA Color Health
Classification: Likely benign for Hereditary cancer-predisposing syndrome. Last evaluated: 2017-08-20. Review status: criteria provided, single submitter. Criteria: ACMG Guidelines, 2015. Collection method: clinical testing. Allele origin: germline.

NM_000465.4(BARD1):c.2151C>T (p.Ile717=)

Gene: BARD1 (BRCA1 associated RING domain 1; minus strand). Cytogenetic location: 2q35.
Variant type: single nucleotide variant.
Coding change: c.2151C>T on transcript NM_000465.4 (MANE Select); coding-DNA position 2151, C replaced by T.
Protein change: p.Ile717=; no amino-acid change (isoleucine 717 retained).
Molecular consequence: synonymous variant. On other transcripts: non-coding transcript variant (3).
Genome position (GRCh38, 1-based): chr2:214,728,859, G>A on the plus strand (C>T on the coding strand, the complement: BARD1 is on the minus strand). VCF-style: chr2-214728859-G-A. GRCh37 (hg19) VCF-style: chr2-215593583-G-A.
Other names: c.2094C>T, p.Ile698= (NM_001282543.2); c.798C>T, p.Ile266= (NM_001282545.2); c.741C>T, p.Ile247= (NM_001282548.2); c.612C>T, p.Ile204= (NM_001282549.2); c.2151C>T (NM_000465.2).
Identifiers: ClinVar variation 490956 (VCV000490956.5), dbSNP rs1553612158, ClinGen allele CA431393473.